The following is an entry in ClinVar:

NM_002336.3(LRP6):c.2893C>T (p.Arg965Trp)

Gene: LRP6 (LDL receptor related protein 6; minus strand). Cytogenetic location: 12p13.2.
Variant type: single nucleotide variant.
Coding change: c.2893C>T on transcript NM_002336.3 (MANE Select); coding-DNA position 2893, C replaced by T.
Protein change: p.Arg965Trp; replaces arginine 965 with tryptophan.
Molecular consequence: missense variant. On other transcripts: non-coding transcript variant (1).
Genome position (GRCh38, 1-based): chr12:12,150,937, G>A on the plus strand (C>T on the coding strand, the complement: LRP6 is on the minus strand). VCF-style: chr12-12150937-G-A. GRCh37 (hg19) VCF-style: chr12-12303871-G-A.
Other names: c.2893C>T, p.Arg965Trp (NM_001414244.1, NM_001414245.1, NM_001414246.1 and 4 more transcripts); c.2695C>T, p.Arg899Trp (NM_001414247.1); c.2440C>T, p.Arg814Trp (NM_001414252.1, NM_001414253.1, NM_001414254.1); c.2386C>T, p.Arg796Trp (NM_001414255.1); short protein forms R814W, R965W, R796W, R899W.
Identifiers: ClinVar variation 4701241 (VCV004701241.1).

ClinVar aggregate classification (germline): Uncertain significance (1 of 4 stars; one submission).

gnomAD v4.1: 12 of 1,614,004 alleles (0.00074%); highest among the groups gnomAD compares: African/African-American, 0.0013%; no homozygotes.

Submission:

Labcorp Genetics (formerly Invitae), Labcorp
Classification: Uncertain significance. Last evaluated: 2025-06-08. Review status: criteria provided, single submitter. Criteria: Invitae Variant Classification Sherloc (09022015). Collection method: clinical testing. Allele origin: germline.
Comment: This sequence change replaces arginine, which is basic and polar, with tryptophan, which is neutral and slightly polar, at codon 965 of the LRP6 protein (p.Arg965Trp). This variant is present in population databases (no rsID available, gnomAD 0.004%). This variant has not been reported in the literature in individuals affected with LRP6-related conditions. Invitae Evidence Modeling of protein sequence and biophysical properties (such as structural, functional, and spatial information, amino acid conservation, physicochemical variation, residue mobility, and thermodynamic stability) indicates that this missense variant is not expected to disrupt LRP6 protein function with a negative predictive value of 80%. In summary, the available evidence is currently insufficient to determine the role of this variant in disease. Therefore, it has been classified as a Variant of Uncertain Significance.